The following is an entry in ClinVar:

ClinVar aggregate classification (germline): Pathogenic (1 of 4 stars; one submission).

Submission:

Labcorp Genetics (formerly Invitae), Labcorp
Classification: Pathogenic. Last evaluated: 2022-08-22. Review status: criteria provided, single submitter. Criteria: Invitae Variant Classification Sherloc (09022015). Collection method: clinical testing. Allele origin: germline.
Comment: For these reasons, this variant has been classified as Pathogenic. This variant disrupts a region of the DDX41 protein in which other variant(s) (p.Ile396Thr) have been determined to be pathogenic (PMID: 25920683, 33585199; Invitae). This suggests that this is a clinically significant region of the protein, and that variants that disrupt it are likely to be disease-causing. This variant has not been reported in the literature in individuals affected with DDX41-related conditions. This variant is a gross deletion of the genomic region encompassing exon(s) 8-17 of the DDX41 gene, which includes the termination codon. This deletion extends beyond the assayed region for this gene and therefore may encompass additional genes. While this deletion is not anticipated to lead to nonsense mediated decay, it is expected to alter mRNA translation or result in a truncated protein product.

Literature cited by the submitters: PubMed 25920683; PubMed 33585199.

NC_000005.9:g.(?_176935330)_(176942071_?)del

Genes: DDX41 (DEAD-box helicase 41; minus strand), DOK3 (docking protein 3; minus strand). Cytogenetic location: 5q35.3.
Variant type: Deletion.
Identifiers: ClinVar variation 2426285 (VCV002426285.4).